The following is an entry in ClinVar:

ClinVar aggregate classification (germline): Likely benign. Review status: criteria provided, single submitter (1 of 4 stars). 2 submissions from 2 submitters: Likely benign (1). 1 of the submissions does not count toward it. Last evaluated 2026-01-13.

Conditions:
GLB1-related disorder. Also called: GLB1-related disorders. Identifiers: MedGen CN377807.
GM1 gangliosidosis. Identifiers: Orphanet 354, MedGen C0085131, MONDO:0018149.
Mucopolysaccharidosis, MPS-IV-B (MPS4B). Also called: Mucopolysaccharidosis type 4B; Mucopolysaccharidosis type IVB (Morquio); MPS IVB; MORQUIO SYNDROME B; Mucopolysaccharidosis type IV B; Mucopolysaccharidosis Type IVB. Identifiers: Orphanet 309310, Orphanet 582, MedGen C0086652, MONDO:0009660, OMIM 253010.

gnomAD v4.1: 239 of 1,613,958 alleles (0.015%); highest among the groups gnomAD compares: Non-Finnish European, 0.018%; no homozygotes.

Submissions (2):

Labcorp Genetics (formerly Invitae), Labcorp
Classification: Likely benign for Mucopolysaccharidosis, MPS-IV-B; GM1 gangliosidosis. Last evaluated: 2026-01-13. Review status: criteria provided, single submitter. Criteria: Invitae Variant Classification Sherloc (09022015). Collection method: clinical testing. Allele origin: germline.

PreventionGenetics, part of Exact Sciences
Classification: Likely benign for GLB1-related condition. Last evaluated: 2024-09-25. Review status: no assertion criteria provided. Collection method: clinical testing. Allele origin: germline. Not counted in ClinVar's aggregate classification.
Comment: This variant is classified as likely benign based on ACMG/AMP sequence variant interpretation guidelines (Richards et al. 2015 PMID: 25741868, with internal and published modifications).

NM_000404.4(GLB1):c.792+10G>A

Gene: GLB1 (galactosidase beta 1; minus strand). Cytogenetic location: 3p22.3.
Variant type: single nucleotide variant.
Coding change: c.792+10G>A on transcript NM_000404.4 (MANE Select); 10 bases into the intron after coding-DNA position 792, G replaced by A.
Molecular consequence: intron variant.
Genome position (GRCh38, 1-based): chr3:33,053,481, C>T on the plus strand (G>A on the coding strand, the complement: GLB1 is on the minus strand). VCF-style: chr3-33053481-C-T. GRCh37 (hg19) VCF-style: chr3-33094973-C-T.
Other names: c.792+10G>A (NM_000404.3); c.399+10G>A (NM_001135602.3); c.936+10G>A (NM_001317040.2); c.702+10G>A (NM_001079811.3).
Identifiers: ClinVar variation 1151063 (VCV001151063.8), dbSNP rs79518579, ClinGen allele CA2299598.